The following is an entry in ClinVar:

NM_000551.4(VHL):c.340+674C>T

Genes: VHL (von Hippel-Lindau tumor suppressor; plus strand), LOC107303340 (3p25 von Hippel-Lindau tumor suppressor, E3 ubiquitin protein ligase Alu-mediated recombination region; plus strand). Cytogenetic location: 3p25.3.
Variant type: single nucleotide variant.
Coding change: c.340+674C>T on transcript NM_000551.4 (MANE Select); 674 bases into the intron after coding-DNA position 340, C replaced by T.
Molecular consequence: intron variant. On other transcripts: nonsense (1).
Genome position (GRCh38, 1-based): chr3:10,142,861, C>T. VCF-style: chr3-10142861-C-T. GRCh37 (hg19) VCF-style: chr3-10184545-C-T.
Other names: c.439C>T, p.Gln147Ter (NM_001354723.2); c.340+674C>T (NM_198156.3); short protein forms Q147*.
Identifiers: ClinVar variation 1521400 (VCV001521400.8), dbSNP rs1696160438, ClinGen allele CA2573136113.

ClinVar aggregate classification (germline): Uncertain significance (1 of 4 stars; one submission).

Conditions:
Chuvash polycythemia. Also called: POLYCYTHEMIA, VHL-DEPENDENT. Identifiers: Orphanet 238557, MedGen C1837915, MONDO:0009892, OMIM 263400.
Von Hippel-Lindau syndrome (VHLS). Also called: Von Hippel-Lindau; von Hippel–Lindau syndrome; VHL syndrome. Identifiers: Orphanet 892, MedGen C0019562, MONDO:0008667, OMIM 193300. Disease mechanism: loss of function.

Submission:

Labcorp Genetics (formerly Invitae), Labcorp
Classification: Uncertain significance for Von Hippel-Lindau syndrome; Chuvash polycythemia. Last evaluated: 2021-03-29. Review status: criteria provided, single submitter. Criteria: Invitae Variant Classification Sherloc (09022015). Collection method: clinical testing. Allele origin: germline.
Comment: The frequency data for this variant in the population databases is considered unreliable, as metrics indicate insufficient coverage at this position in the ExAC database. In summary, the available evidence is currently insufficient to determine the role of this variant in disease. Therefore, it has been classified as a Variant of Uncertain Significance. Experimental studies and prediction algorithms are not available or were not evaluated, and the functional significance of this variant is currently unknown. This variant has not been reported in the literature in individuals with VHL-related conditions. This sequence change falls in intron 1 of the VHL gene. It is not expected to change the encoded amino acid sequence of the VHL protein. However, this sequence change falls within a cryptic exon in the VHL gene, known as exon E1’, which is naturally expressed at low levels in several human tissues (PMID: 29891534).

Literature cited by the submitters: PubMed 29891534.